The following is an entry in ClinVar:

ClinVar aggregate classification (germline): Uncertain significance (1 of 4 stars; one submission).

Conditions:
Peroxisome biogenesis disorder, complementation group 7 (CG7). Also called: Peroxisome biogenesis disorder, complementation group B. Identifiers: MedGen C1864399.

Allele frequency attached by ClinVar (database versions not stated): gnomAD 0.00001; TOPMed 0.00001.

Submission:

Labcorp Genetics (formerly Invitae), Labcorp
Classification: Uncertain significance for Peroxisome biogenesis disorder, complementation group 7. Last evaluated: 2025-11-10. Review status: criteria provided, single submitter. Criteria: Invitae Variant Classification Sherloc (09022015). Collection method: clinical testing. Allele origin: germline.
Comment: This sequence change replaces serine, which is neutral and polar, with tyrosine, which is neutral and polar, at codon 88 of the PEX10 protein (p.Ser88Tyr). This variant is not present in population databases (gnomAD no frequency). This variant has not been reported in the literature in individuals affected with PEX10-related conditions. ClinVar contains an entry for this variant (Variation ID: 1399149). An algorithm developed to predict the effect of missense changes on protein structure and function (PolyPhen-2) suggests that this variant is likely to be disruptive. In summary, the available evidence is currently insufficient to determine the role of this variant in disease. Therefore, it has been classified as a Variant of Uncertain Significance.

NM_002617.4(PEX10):c.263C>A (p.Ser88Tyr)

Gene: PEX10 (peroxisomal biogenesis factor 10; minus strand). Cytogenetic location: 1p36.32.
Variant type: single nucleotide variant.
Coding change: c.263C>A on transcript NM_002617.4 (MANE Select); coding-DNA position 263, C replaced by A.
Protein change: p.Ser88Tyr; replaces serine 88 with tyrosine.
Molecular consequence: missense variant. On other transcripts: 5 prime UTR variant (2), non-coding transcript variant (1).
Genome position (GRCh38, 1-based): chr1:2,408,789, G>T on the plus strand (C>A on the coding strand, the complement: PEX10 is on the minus strand). VCF-style: chr1-2408789-G-T. GRCh37 (hg19) VCF-style: chr1-2340228-G-T.
Other names: c.263C>A, p.Ser88Tyr (NM_001374425.1, NM_153818.2); c.-170C>A (NM_001374426.1, NM_001374427.1); short protein forms S88Y.
Identifiers: ClinVar variation 1399149 (VCV001399149.5), dbSNP rs913840649, ClinGen allele CA16946085.